The following is an entry in ClinVar:

ClinVar aggregate classification (germline): Benign/Likely benign. Review status: criteria provided, single submitter (1 of 4 stars). 2 submissions from 1 submitter: Benign (1); Likely benign (1). Last evaluated 2018-01-13.

Conditions:
Dilated cardiomyopathy 1HH (CMD1HH). Identifiers: Orphanet 154, MedGen C3151293, MONDO:0013479, OMIM 613881.
Myofibrillar myopathy 6. Identifiers: Orphanet 199340, MedGen C2751831, MONDO:0013061, OMIM 612954.

Allele frequency attached by ClinVar (database versions not stated): gnomAD exomes 0.00075 and 0.00201; ExAC 0.00252; 1000 Genomes Project 30x 0.00656; 1000 Genomes Project 0.00659; gnomAD 0.00791 and 0.00853; TOPMed 0.00903; ESP Exome Variant Server 0.01054.
gnomAD v4.1: 2,332 of 1,612,304 alleles (0.14%); highest among the groups gnomAD compares: African/African-American, 2.8%; 28 homozygotes.

Submissions (2):

Illumina Laboratory Services, Illumina
Classification: Likely benign for Dilated cardiomyopathy 1HH. Last evaluated: 2018-01-13. Review status: criteria provided, single submitter. Criteria: ICSL Variant Classification Criteria 13 December 2019. Collection method: clinical testing. Allele origin: germline.
Comment: This variant was observed in the ICSL laboratory as part of a predisposition screen in an ostensibly healthy population. It had not been previously curated by ICSL or reported in the Human Gene Mutation Database (HGMD: prior to June 1st, 2018), and was therefore a candidate for classification through an automated scoring system. Utilizing variant allele frequency, disease prevalence and penetrance estimates, and inheritance mode, an automated score was calculated to assess if this variant is too frequent to cause the disease. Based on the score and internal cut-off values, a variant classified as likely benign is not then subjected to further curation. The score for this variant resulted in a classification of likely benign for this disease.

Illumina Laboratory Services, Illumina
Classification: Benign for Myofibrillar myopathy 6. Last evaluated: 2018-01-13. Review status: criteria provided, single submitter. Criteria: ICSL Variant Classification Criteria 13 December 2019. Collection method: clinical testing. Allele origin: germline.
Comment: This variant was observed in the ICSL laboratory as part of a predisposition screen in an ostensibly healthy population. It had not been previously curated by ICSL or reported in the Human Gene Mutation Database (HGMD: prior to June 1st, 2018), and was therefore a candidate for classification through an automated scoring system. Utilizing variant allele frequency, disease prevalence and penetrance estimates, and inheritance mode, an automated score was calculated to assess if this variant is too frequent to cause the disease. Based on the score and internal cut-off values, a variant classified as benign is not then subjected to further curation. The score for this variant resulted in a classification of benign for this disease.

NM_004281.4(BAG3):c.*31C>T

Gene: BAG3 (BAG cochaperone 3; plus strand). Cytogenetic location: 10q26.11.
Variant type: single nucleotide variant.
Coding change: c.*31C>T on transcript NM_004281.4 (MANE Select); 31 bases downstream of the stop codon, C replaced by T.
Molecular consequence: 3 prime UTR variant.
Genome position (GRCh38, 1-based): chr10:119,677,313, C>T. VCF-style: chr10-119677313-C-T. GRCh37 (hg19) VCF-style: chr10-121436825-C-T.
Identifiers: ClinVar variation 298965 (VCV000298965.5), dbSNP rs116329258, ClinGen allele CA5716607.